The following is an entry in ClinVar:

ClinVar aggregate classification (germline): Uncertain significance (1 of 4 stars; one submission).

Conditions:
Developmental and epileptic encephalopathy, 42 (DEE42A). Also called: Epileptic encephalopathy, early infantile, 42; DEVELOPMENTAL AND EPILEPTIC ENCEPHALOPATHY 42A; EPILEPTIC ENCEPHALOPATHY, EARLY INFANTILE, 42A. Identifiers: MedGen C4310716, MONDO:0014917, OMIM 617106.
Episodic ataxia type 2 (EA2). Also called: ACETAZOLAMIDE-RESPONSIVE HEREDITARY PAROXYSMAL CEREBELLAR ATAXIA; ATAXIA, EPISODIC, WITH NYSTAGMUS; ATAXIA, FAMILIAL PAROXYSMAL; CEREBELLAR ATAXIA, PAROXYSMAL, ACETAZOLAMIDE-RESPONSIVE; CEREBELLOPATHY, HEREDITARY PAROXYSMAL; EPISODIC ATAXIA, NYSTAGMUS-ASSOCIATED. Identifiers: Orphanet 97, MedGen C1720416, MONDO:0007163, OMIM 108500.

gnomAD v4.1: 2 of 1,587,682 alleles (0.00013%); highest among the groups gnomAD compares: East Asian, 0.0023%; no homozygotes.

Submission:

Labcorp Genetics (formerly Invitae), Labcorp
Classification: Uncertain significance for Developmental and epileptic encephalopathy, 42; Episodic ataxia type 2. Last evaluated: 2023-10-03. Review status: criteria provided, single submitter. Criteria: Invitae Variant Classification Sherloc (09022015). Collection method: clinical testing. Allele origin: germline.
Comment: This sequence change replaces glycine, which is neutral and non-polar, with arginine, which is basic and polar, at codon 927 of the CACNA1A protein (p.Gly927Arg). This variant is not present in population databases (gnomAD no frequency). This variant has not been reported in the literature in individuals affected with CACNA1A-related conditions. ClinVar contains an entry for this variant (Variation ID: 1004673). Advanced modeling of protein sequence and biophysical properties (such as structural, functional, and spatial information, amino acid conservation, physicochemical variation, residue mobility, and thermodynamic stability) performed at Invitae indicates that this missense variant is not expected to disrupt CACNA1A protein function. In summary, the available evidence is currently insufficient to determine the role of this variant in disease. Therefore, it has been classified as a Variant of Uncertain Significance.

NM_001127222.2(CACNA1A):c.2776G>A (p.Gly926Arg)

Gene: CACNA1A (calcium voltage-gated channel subunit alpha1 A; minus strand). Cytogenetic location: 19p13.13.
Variant type: single nucleotide variant.
Coding change: c.2776G>A on transcript NM_001127222.2 (MANE Select); coding-DNA position 2776, G replaced by A.
Protein change: p.Gly926Arg; replaces glycine 926 with arginine.
Molecular consequence: missense variant.
Genome position (GRCh38, 1-based): chr19:13,298,857, C>T on the plus strand (G>A on the coding strand, the complement: CACNA1A is on the minus strand). VCF-style: chr19-13298857-C-T. GRCh37 (hg19) VCF-style: chr19-13409671-C-T.
Other names: c.2788G>A, p.Gly930Arg (NM_000068.4, NM_023035.3); c.2779G>A, p.Gly927Arg (NM_001127221.2, NM_001174080.2); short protein forms G926R, G927R, G930R.
Identifiers: ClinVar variation 1004673 (VCV001004673.9), dbSNP rs1337217129, ClinGen allele CA404342739.